The following is an entry in ClinVar:

ClinVar aggregate classification (germline): Conflicting classifications of pathogenicity. Review status: criteria provided, conflicting classifications (1 of 4 stars). 4 submissions from 4 submitters: Uncertain significance (3); Likely benign (1). Last evaluated 2026-01-13.

Conditions:
Hereditary nonpolyposis colorectal neoplasms. Identifiers: MedGen C0009405, MeSH D003123.
Hereditary cancer-predisposing syndrome. Also called: Tumor predisposition; Hereditary neoplastic syndrome; Neoplastic Syndromes, Hereditary; Hereditary Cancer Syndrome. Identifiers: Orphanet 140162, MedGen C0027672, MeSH D009386, MONDO:0015356.

Submissions (4):

Labcorp Genetics (formerly Invitae), Labcorp
Classification: Uncertain significance for Hereditary nonpolyposis colorectal neoplasms. Last evaluated: 2026-01-13. Review status: criteria provided, single submitter. Criteria: Invitae Variant Classification Sherloc (09022015). Collection method: clinical testing. Allele origin: germline.
Comment: This sequence change replaces glutamine, which is neutral and polar, with arginine, which is basic and polar, at codon 530 of the PMS2 protein (p.Gln530Arg). This variant is not present in population databases (gnomAD no frequency). This variant has not been reported in the literature in individuals affected with PMS2-related conditions. ClinVar contains an entry for this variant (Variation ID: 959186). Invitae Evidence Modeling incorporating data from in vitro experimental studies (internal data) indicates that this missense variant is not expected to disrupt PMS2 function with a negative predictive value of 95%. In summary, the available evidence is currently insufficient to determine the role of this variant in disease. Therefore, it has been classified as a Variant of Uncertain Significance.

Ambry Genetics
Classification: Likely benign for Hereditary cancer-predisposing syndrome. Last evaluated: 2025-01-02. Review status: criteria provided, single submitter. Criteria: Ambry Variant Classification Scheme 2023. Collection method: clinical testing. Allele origin: germline.

Color Diagnostics, LLC DBA Color Health
Classification: Uncertain significance for Hereditary cancer-predisposing syndrome. Last evaluated: 2021-12-29. Review status: criteria provided, single submitter. Criteria: ACMG Guidelines, 2015. Collection method: clinical testing. Allele origin: germline.
Comment: This missense variant replaces glutamine with arginine at codon 530 of the PMS2 protein. Computational prediction suggests that this variant may not impact protein structure and function (internally defined REVEL score threshold <= 0.5, PMID: 27666373). To our knowledge, functional studies have not been reported for this variant. This variant has not been reported in individuals affected with hereditary cancer in the literature. This variant has not been identified in the general population by the Genome Aggregation Database (gnomAD). The available evidence is insufficient to determine the role of this variant in disease conclusively. Therefore, this variant is classified as a Variant of Uncertain Significance.

GeneDx
Classification: Uncertain significance. Last evaluated: 2019-05-28. Review status: criteria provided, single submitter. Criteria: GeneDx Variant Classification Process June 2021. Collection method: clinical testing. Allele origin: germline. Affected: yes.
Comment: Not observed in large population cohorts (Lek et al., 2016); In silico analysis, which includes protein predictors and evolutionary conservation, supports that this variant does not alter protein structure/function; Has not been previously published as pathogenic or benign to our knowledge

NM_000535.7(PMS2):c.1589A>G (p.Gln530Arg)

Gene: PMS2 (PMS1 homolog 2, mismatch repair system component; minus strand). Cytogenetic location: 7p22.1.
Variant type: single nucleotide variant.
Coding change: c.1589A>G on transcript NM_000535.7 (MANE Select); coding-DNA position 1589, A replaced by G.
Protein change: p.Gln530Arg; replaces glutamine 530 with arginine.
Molecular consequence: missense variant. On other transcripts: non-coding transcript variant (1).
Genome position (GRCh38, 1-based): chr7:5,987,176, T>C on the plus strand (A>G on the coding strand, the complement: PMS2 is on the minus strand). VCF-style: chr7-5987176-T-C. GRCh37 (hg19) VCF-style: chr7-6026807-T-C.
Other names: c.1184A>G, p.Gln395Arg (NM_001322003.2, NM_001322004.2, NM_001322005.2 and 1 more transcripts); c.1433A>G, p.Gln478Arg (NM_001322006.2); c.1271A>G, p.Gln424Arg (NM_001322007.2, NM_001322008.2); c.1028A>G, p.Gln343Arg (NM_001322010.2); c.656A>G, p.Gln219Arg (NM_001322011.2, NM_001322012.2); c.1016A>G, p.Gln339Arg (NM_001322013.2); c.1589A>G, p.Gln530Arg (NM_001322014.2); c.1280A>G, p.Gln427Arg (NM_001322015.2); short protein forms Q339R, Q219R, Q530R, Q343R, Q395R, Q427R, Q424R, Q478R.
Identifiers: ClinVar variation 959186 (VCV000959186.16), dbSNP rs1783039464, ClinGen allele CA366741535.